The following continues an entry in ClinVar:

NM_000059.4(BRCA2):c.440A>G (p.Gln147Arg)

Gene: BRCA2. ClinVar aggregate classification (germline): Benign. Benign (1).

Submissions 19 to 28 of 28:

Cancer Genetics and Genomics Laboratory, British Columbia Cancer Agency
Classification: Benign. Last evaluated: 2017-04-18. Review status: criteria provided, single submitter. Criteria: ACMG Guidelines, 2015. Collection method: clinical testing. Allele origin: germline. Study: The Canadian Open Genetics Repository (COGR). Not counted in ClinVar's aggregate classification.

Color Diagnostics, LLC DBA Color Health
Classification: Likely benign for Hereditary cancer-predisposing syndrome. Last evaluated: 2015-04-07. Review status: criteria provided, single submitter. Criteria: ACMG Guidelines, 2015. Collection method: clinical testing. Allele origin: germline. Not counted in ClinVar's aggregate classification.

Ambry Genetics
Classification: Benign for Hereditary cancer-predisposing syndrome. Last evaluated: 2014-11-19. Review status: criteria provided, single submitter. Criteria: Ambry Variant Classification Scheme 2023. Collection method: clinical testing. Allele origin: germline. Not counted in ClinVar's aggregate classification.

3DMed Clinical Laboratory Inc
Classification: Uncertain significance for Cancer of the pancreas. Last evaluated: 2017-01-16. Review status: no assertion criteria provided. Criteria: ACMG Guidelines, 2015. Collection method: clinical testing. Allele origin: germline. Affected: yes. Not counted in ClinVar's aggregate classification.

Counsyl
Classification: Likely benign for Breast-ovarian cancer, familial 2. Last evaluated: 2014-08-09. Review status: no assertion criteria provided. Collection method: literature only. Allele origin: unknown. Inheritance: Autosomal dominant inheritance. Not counted in ClinVar's aggregate classification.

ITMI
No classification provided. Condition: AllHighlyPenetrant. Last evaluated: 2013-09-19. Review status: no classification provided. Collection method: reference population. Allele origin: germline. Not counted in ClinVar's aggregate classification.
Comment: Please see associated publication for description of ethnicities

Sharing Clinical Reports Project (SCRP)
Classification: Benign for Breast-ovarian cancer, familial 2. Last evaluated: 2009-02-19. Review status: no assertion criteria provided. Collection method: clinical testing. Allele origin: germline. Not counted in ClinVar's aggregate classification.

Breast Cancer Information Core (BIC) (BRCA2)
Classification: Uncertain significance for Breast-ovarian cancer, familial 2. Last evaluated: 2002-05-29. Review status: no assertion criteria provided. Collection method: clinical testing. Allele origin: germline. Affected: yes. Observed: 16 variant alleles. Not counted in ClinVar's aggregate classification.

Center for Precision Medicine, Meizhou People's Hospital
Classification: Likely benign for Familial cancer of breast. Review status: no assertion criteria provided. Collection method: literature only. Allele origin: germline. Affected: yes. Not counted in ClinVar's aggregate classification.

Department of Pathology and Laboratory Medicine, Sinai Health System
Classification: Benign for Malignant tumor of breast. Review status: no assertion criteria provided. Collection method: clinical testing. Allele origin: unknown. Affected: yes. Observed: 13 variant alleles. Study: The Canadian Open Genetics Repository (COGR). Not counted in ClinVar's aggregate classification.
Comment: The p.Gln147Arg variant was identified in the literature in at least 2 of 96 proband chromosomes in individuals with Esophageal squamous cell cancer or cervical cancer (Zhong 2011, Kwong 2008). However, a second variant (c.7806-9T>G) was demonstrated to cause aberrant splicing and considered pathogenic was identified in the individual with cervical cancer and shown to segregate together with the p.Gln147Arg variant in at least 2 other affected family members and not in one unaffected family member, increasing the likelihood that the p.Gln147Arg variant does not have clinical significance. This residue is not conserved in mammals and the variant amino acid Arginine (Arg) is present in rat, mouse, dog, cat, opossum and chicken. Computational analyses (PolyPhen2, SIFT, AlignGVGD) do not suggest a high likelihood of impact to the protein, increasing the likelihood this variant does not have clinical significance. The variant was identified in individuals of Asian background and our laboratory has tested a limited number of individuals from this population group such that this variant may prove to be a common or rare polymorphism in this population of origin. Furthermore, Myriad calls this variant a polymorphism (personal communication). Based on the above information this variant is considered benign.

Literature cited by the submitters: PubMed 31131967 (cited by Evidence-based Network for the Interpretation of Germline Mutant Alleles (ENIGMA)); PubMed 26067864 (cited by Quest Diagnostics Nichols Institute San Juan Capistrano); PubMed 28222693 (cited by Quest Diagnostics Nichols Institute San Juan Capistrano); PubMed 28961279 (cited by Quest Diagnostics Nichols Institute San Juan Capistrano); PubMed 21218378 (cited by Quest Diagnostics Nichols Institute San Juan Capistrano and Counsyl); PubMed 17657584 (cited by Quest Diagnostics Nichols Institute San Juan Capistrano and Counsyl); PubMed 24489791 (cited by Quest Diagnostics Nichols Institute San Juan Capistrano and Counsyl); PubMed 20215541 (cited by Quest Diagnostics Nichols Institute San Juan Capistrano and Counsyl); PubMed 22126563 (cited by Quest Diagnostics Nichols Institute San Juan Capistrano and Counsyl); PubMed 24728327 (cited by 3 submitters); PubMed 17972177 (cited by Illumina Laboratory Services, Illumina and Center for Precision Medicine, Meizhou People's Hospital); PubMed 18627636 (cited by 3 submitters); PubMed 14973102 (cited by Counsyl).